The following is an entry in ClinVar:

ClinVar aggregate classification (germline): Uncertain significance (1 of 4 stars; one submission).

Conditions:
Hypertrophic cardiomyopathy. Also called: HYPERTROPHIC MYOCARDIOPATHY. Identifiers: Orphanet 217569, MedGen C0007194, MeSH D002312, MONDO:0005045, HP:0001639.

Allele frequency attached by ClinVar (database versions not stated): gnomAD exomes below 0.00001.
gnomAD v4.1: 2 of 1,613,614 alleles (0.00012%); highest among the groups gnomAD compares: Non-Finnish European, 0.00017%; no homozygotes.

Submission:

Labcorp Genetics (formerly Invitae), Labcorp
Classification: Uncertain significance for Hypertrophic cardiomyopathy. Last evaluated: 2022-07-19. Review status: criteria provided, single submitter. Criteria: Invitae Variant Classification Sherloc (09022015). Collection method: clinical testing. Allele origin: germline.
Comment: ClinVar contains an entry for this variant (Variation ID: 1402585). In summary, the available evidence is currently insufficient to determine the role of this variant in disease. Therefore, it has been classified as a Variant of Uncertain Significance. Algorithms developed to predict the effect of missense changes on protein structure and function (SIFT, PolyPhen-2, Align-GVGD) all suggest that this variant is likely to be tolerated. This variant has not been reported in the literature in individuals affected with MYOM1-related conditions. This variant is not present in population databases (gnomAD no frequency). This sequence change replaces threonine, which is neutral and polar, with alanine, which is neutral and non-polar, at codon 179 of the MYOM1 protein (p.Thr179Ala).

NM_003803.4(MYOM1):c.535A>G (p.Thr179Ala)

Gene: MYOM1 (myomesin 1; minus strand). Cytogenetic location: 18p11.31.
Variant type: single nucleotide variant.
Coding change: c.535A>G on transcript NM_003803.4 (MANE Select); coding-DNA position 535, A replaced by G.
Protein change: p.Thr179Ala; replaces threonine 179 with alanine.
Molecular consequence: missense variant.
Genome position (GRCh38, 1-based): chr18:3,188,984, T>C on the plus strand (A>G on the coding strand, the complement: MYOM1 is on the minus strand). VCF-style: chr18-3188984-T-C. GRCh37 (hg19) VCF-style: chr18-3188982-T-C.
Other names: c.535A>G, p.Thr179Ala (NM_019856.2); short protein forms T179A.
Identifiers: ClinVar variation 1402585 (VCV001402585.8), dbSNP rs2144151014, ClinGen allele CA401716882.